The following is an entry in ClinVar:

NM_145046.5(CALR3):c.992C>T (p.Ala331Val)

Gene: CALR3 (calreticulin 3; minus strand). Cytogenetic location: 19p13.11.
Variant type: single nucleotide variant.
Coding change: c.992C>T on transcript NM_145046.5 (MANE Select); coding-DNA position 992, C replaced by T.
Protein change: p.Ala331Val; replaces alanine 331 with valine.
Molecular consequence: missense variant.
Genome position (GRCh38, 1-based): chr19:16,480,633, G>A on the plus strand (C>T on the coding strand, the complement: CALR3 is on the minus strand). VCF-style: chr19-16480633-G-A. GRCh37 (hg19) VCF-style: chr19-16591444-G-A.
Other names: c.992C>T (NM_145046.3); short protein forms A331V.
Identifiers: ClinVar variation 2184630 (VCV002184630.5), dbSNP rs766349117, ClinGen allele CA9278221.

ClinVar aggregate classification (germline): Uncertain significance. Review status: criteria provided, multiple submitters, no conflicts (2 of 4 stars). 2 submissions from 2 submitters: Uncertain significance (2). Last evaluated 2024-02-17.

Conditions:
Hypertrophic cardiomyopathy 19. Also called: Familial hypertrophic cardiomyopathy 19. Identifiers: MedGen CN077603, MONDO:0013476.

Allele frequency attached by ClinVar (database versions not stated): gnomAD exomes below 0.00001; ExAC 0.00001.
gnomAD v4.1: 8 of 1,613,050 alleles (0.0005%); highest among the groups gnomAD compares: African/African-American, 0.0053%; no homozygotes.

Submissions (2):

Labcorp Genetics (formerly Invitae), Labcorp
Classification: Uncertain significance for Hypertrophic cardiomyopathy 19. Last evaluated: 2024-02-17. Review status: criteria provided, single submitter. Criteria: Invitae Variant Classification Sherloc (09022015). Collection method: clinical testing. Allele origin: germline.
Comment: This sequence change replaces alanine, which is neutral and non-polar, with valine, which is neutral and non-polar, at codon 331 of the CALR3 protein (p.Ala331Val). This variant is not present in population databases (gnomAD no frequency). This variant has not been reported in the literature in individuals affected with CALR3-related conditions. ClinVar contains an entry for this variant (Variation ID: 2184630). Advanced modeling of protein sequence and biophysical properties (such as structural, functional, and spatial information, amino acid conservation, physicochemical variation, residue mobility, and thermodynamic stability) performed at Invitae indicates that this missense variant is not expected to disrupt CALR3 protein function with a negative predictive value of 80%. In summary, the available evidence is currently insufficient to determine the role of this variant in disease. Therefore, it has been classified as a Variant of Uncertain Significance.

Ambry Genetics
Classification: Uncertain significance. Last evaluated: 2021-09-01. Review status: criteria provided, single submitter. Criteria: Ambry Variant Classification Scheme 2023. Collection method: clinical testing. Allele origin: germline.